The following is an entry in ClinVar:

NM_000138.5(FBN1):c.2757A>G (p.Gly919=)

Gene: FBN1 (fibrillin 1; minus strand). Cytogenetic location: 15q21.1.
Variant type: single nucleotide variant.
Coding change: c.2757A>G on transcript NM_000138.5 (MANE Select); coding-DNA position 2757, A replaced by G.
Protein change: p.Gly919=; no amino-acid change (glycine 919 retained).
Molecular consequence: synonymous variant.
Genome position (GRCh38, 1-based): chr15:48,492,558, T>C on the plus strand (A>G on the coding strand, the complement: FBN1 is on the minus strand). VCF-style: chr15-48492558-T-C. GRCh37 (hg19) VCF-style: chr15-48784755-T-C.
Identifiers: ClinVar variation 42316 (VCV000042316.5), dbSNP rs397515780, ClinGen allele CA013409.
Genomic context (GRCh38, chr15:48,492,558, plus strand): 5'-ACTGGGACACTGACACTTGAATGACCCCCTAGTGTTAACACACAGGCCATTTTTACACAC[T>C]CCTGGGAACACTTCACATTCATCTATATCTAAAAAGAAAAAAAAAGTATAAAGTTAATAT-3'
Protein context (NP_000129.3, residues 909-929): EDIDECEVFP[Gly919=]VCKNGLCVNT

ClinVar aggregate classification (germline): Likely benign. Review status: criteria provided, single submitter (1 of 4 stars). 2 submissions from 2 submitters: Likely benign (1). 1 of the submissions does not count toward it. Last evaluated 2023-10-02.

Conditions:
Marfan syndrome (MFS). Also called: FBN1-Related Marfan Syndrome; Marfan syndrome, classic; MARFAN SYNDROME, TYPE I; Marfan syndrome type 1; Marfan's syndrome. Identifiers: Orphanet 284963, Orphanet 558, MedGen C0024796, MONDO:0007947, OMIM 154700.

Submissions (2):

All of Us Research Program, National Institutes of Health
Classification: Likely benign for Marfan syndrome. Last evaluated: 2023-10-02. Review status: criteria provided, single submitter. Criteria: ACMG Guidelines, 2015. Collection method: clinical testing. Allele origin: germline. Inheritance: Autosomal dominant inheritance. Observed: 1 variant allele, 1 heterozygote.
Comment: This study involves interpretation of variants in research participants for the purpose of population health screening. Participant phenotype was not available at the time of variant classification. Additional details can be found in publication PMID: 35346344, PMCID: PMC8962531

Laboratory for Molecular Medicine, Mass General Brigham Personalized Medicine
Classification: Uncertain significance. Last evaluated: 2009-04-30. Review status: no assertion criteria provided. Collection method: clinical testing. Allele origin: germline. Observed: 1 variant allele. Not counted in ClinVar's aggregate classification.